The following is an entry in ClinVar:

ClinVar aggregate classification (germline): Likely pathogenic. Review status: criteria provided, multiple submitters, no conflicts (2 of 4 stars). 2 submissions from 2 submitters: Likely pathogenic (2). Last evaluated 2025-04-08.

Conditions:
Autosomal recessive nonsyndromic hearing loss 4 (DFNB4). Also called: Nonsyndromic enlarged vestibular aqueduct (NSEVA); Enlarged vestibular aqueduct, digenic; FOXI1-Related Pendred Syndrome; KCNJ10-Related Pendred Syndrome; DEAFNESS, AUTOSOMAL RECESSIVE 4, WITH ENLARGED VESTIBULAR AQUEDUCT, DIGENIC; NEUROSENSORY NONSYNDROMIC RECESSIVE DEAFNESS 4. Identifiers: Orphanet 90636, MedGen C3538946, MONDO:0010933, OMIM 600791.

Submissions (2):

Hereditary Deafness Genetic Testing Group, The First Affiliated Hospital of Zhengzhou University
Classification: Likely pathogenic for Autosomal recessive nonsyndromic hearing loss 4. Last evaluated: 2025-04-08. Review status: criteria provided, single submitter. Criteria: ACMG Guidelines, 2015. Collection method: clinical testing. Allele origin: germline. Affected: yes.

Institute of Rare Diseases, West China Hospital, Sichuan University
Classification: Likely pathogenic for Autosomal recessive nonsyndromic hearing loss 4. Last evaluated: 2025-01-09. Review status: criteria provided, single submitter. Criteria: ClinGen HL ACMG Specifications v1. Collection method: research. Allele origin: germline. Affected: yes.
Comment: PM3_Strong;PM5;PP4;PM2_Supporting;PP3

Literature cited by the submitters: PubMed 40542191 (cited by Hereditary Deafness Genetic Testing Group, The First Affiliated Hospital of Zhengzhou University).

NM_000441.2(SLC26A4):c.85G>A (p.Glu29Lys)

Genes: SLC26A4 (solute carrier family 26 member 4; plus strand), SLC26A4-AS1 (SLC26A4 antisense RNA 1; minus strand). Cytogenetic location: 7q22.3.
Variant type: single nucleotide variant.
Coding change: c.85G>A on transcript NM_000441.2 (MANE Select); coding-DNA position 85, G replaced by A.
Protein change: p.Glu29Lys; replaces glutamic acid 29 with lysine.
Molecular consequence: missense variant. On other transcripts: non-coding transcript variant (1).
Genome position (GRCh38, 1-based): chr7:107,661,726, G>A. VCF-style: chr7-107661726-G-A. GRCh37 (hg19) VCF-style: chr7-107302171-G-A.
Other names: short protein forms E29K.
Identifiers: ClinVar variation 3601788 (VCV003601788.2).